The following is an entry in ClinVar:

ClinVar aggregate classification (germline): Likely benign. Review status: criteria provided, multiple submitters, no conflicts (2 of 4 stars). 4 submissions from 4 submitters: Likely benign (3). 1 of the submissions does not count toward it. Last evaluated 2025-10-23.

Conditions:
EHMT1-related disorder. Also called: EHMT1-related condition.
Kleefstra syndrome 1 (KLEFS1). Identifiers: Orphanet 261494, MedGen C0795833, MONDO:0027407, OMIM 610253.
Inborn genetic diseases. Identifiers: MedGen C0950123, MeSH D030342.

Allele frequency attached by ClinVar (database versions not stated): ESP Exome Variant Server 0.00008; gnomAD 0.00009 and 0.00015; TOPMed 0.00011; 1000 Genomes Project 30x 0.00016; 1000 Genomes Project 0.00020; gnomAD exomes 0.00021 and 0.00024; ExAC 0.00038.
gnomAD v4.1: 372 of 1,612,674 alleles (0.023%); highest among the groups gnomAD compares: East Asian, 0.29%; 1 homozygote.

Submissions (4):

Labcorp Genetics (formerly Invitae), Labcorp
Classification: Likely benign for Kleefstra syndrome 1. Last evaluated: 2025-10-23. Review status: criteria provided, single submitter. Criteria: Invitae Variant Classification Sherloc (09022015). Collection method: clinical testing. Allele origin: germline.

CeGaT Center for Human Genetics Tuebingen
Classification: Likely benign. Last evaluated: 2024-01-01. Review status: criteria provided, single submitter. Criteria: CeGaT Center For Human Genetics Tuebingen Variant Classification Criteria Version 2. Collection method: clinical testing. Allele origin: germline. Affected: yes. Observed: 1 variant allele.
Comment: EHMT1: BP4, BP7

Ambry Genetics
Classification: Likely benign for Inborn genetic diseases. Last evaluated: 2017-05-15. Review status: criteria provided, single submitter. Criteria: Ambry Variant Classification Scheme 2023. Collection method: clinical testing. Allele origin: germline.

PreventionGenetics, part of Exact Sciences
Classification: Likely benign for EHMT1-related condition. Last evaluated: 2019-11-21. Review status: no assertion criteria provided. Collection method: clinical testing. Allele origin: germline. Not counted in ClinVar's aggregate classification.
Comment: This variant is classified as likely benign based on ACMG/AMP sequence variant interpretation guidelines (Richards et al. 2015 PMID: 25741868, with internal and published modifications).

NM_024757.5(EHMT1):c.3774C>T (p.Cys1258=)

Gene: EHMT1 (euchromatic histone lysine methyltransferase 1; plus strand). Cytogenetic location: 9q34.3.
Variant type: single nucleotide variant.
Coding change: c.3774C>T on transcript NM_024757.5 (MANE Select); coding-DNA position 3774, C replaced by T.
Protein change: p.Cys1258=; no amino-acid change (cysteine 1258 retained).
Molecular consequence: synonymous variant.
Genome position (GRCh38, 1-based): chr9:137,834,830, C>T. VCF-style: chr9-137834830-C-T. GRCh37 (hg19) VCF-style: chr9-140729282-C-T.
Other names: c.3753C>T, p.Cys1251= (NM_001354263.2).
Identifiers: ClinVar variation 366033 (VCV000366033.42), dbSNP rs371136319, ClinGen allele CA5375468.